The following is an entry in ClinVar:

ClinVar aggregate classification (germline): Likely benign (0 of 4 stars; one submission).

Conditions:
POF1B-related disorder. Also called: POF1B-related condition.

Allele frequency attached by ClinVar (database versions not stated): gnomAD exomes below 0.00001; TOPMed below 0.00001; gnomAD 0.00002.
gnomAD v4.1: 7 of 1,183,449 alleles (0.00059%); highest among the groups gnomAD compares: Non-Finnish European, 0.00068%; no homozygotes.

Submission:

PreventionGenetics, part of Exact Sciences
Classification: Likely benign for POF1B-related condition. Last evaluated: 2019-04-10. Review status: no assertion criteria provided. Collection method: clinical testing. Allele origin: germline.
Comment: This variant is classified as likely benign based on ACMG/AMP sequence variant interpretation guidelines (Richards et al. 2015 PMID: 25741868, with internal and published modifications).

NM_024921.4(POF1B):c.1683A>G (p.Leu561=)

Gene: POF1B (POF1B actin binding protein; minus strand). Cytogenetic location: Xq21.1.
Variant type: single nucleotide variant.
Coding change: c.1683A>G on transcript NM_024921.4 (MANE Select); coding-DNA position 1683, A replaced by G.
Protein change: p.Leu561=; no amino-acid change (leucine 561 retained).
Molecular consequence: synonymous variant.
Genome position (GRCh38, 1-based): chrX:85,282,284, T>C on the plus strand (A>G on the coding strand, the complement: POF1B is on the minus strand). VCF-style: chrX-85282284-T-C. GRCh37 (hg19) VCF-style: chrX-84537290-T-C.
Other names: c.1683A>G, p.Leu561= (NM_001307940.2).
Identifiers: ClinVar variation 3047322 (VCV003047322.2), dbSNP rs1289756706, ClinGen allele CA517488047.
Genomic context (GRCh38, chrX:85,282,284, plus strand): 5'-TTTCTCAATCACAATAGTCTGTGTTTCACTACCTGGTGGTATATATTCGTAGTCATCATA[T>C]AGGAGGCCTAGGATTGGATATTGTGTCCTGTACCTGTTGGCAAGAAAAGAGTTAGTTTAC-3'
Protein context (NP_079197.3, residues 551-571): YRTQYPILGL[Leu561=]YDDYEYIPPG